The following is an entry in ClinVar:

NM_003059.3(SLC22A4):c.1071T>A (p.Phe357Leu)

Genes: MIR3936HG (MIR3936 host gene; minus strand), SLC22A4 (solute carrier family 22 member 4; plus strand). Cytogenetic location: 5q31.1.
Variant type: single nucleotide variant.
Coding change: c.1071T>A on transcript NM_003059.3 (MANE Select); coding-DNA position 1071, T replaced by A.
Protein change: p.Phe357Leu; replaces phenylalanine 357 with leucine.
Molecular consequence: missense variant.
Genome position (GRCh38, 1-based): chr5:132,334,742, T>A. VCF-style: chr5-132334742-T-A. GRCh37 (hg19) VCF-style: chr5-131670435-T-A.
Other names: short protein forms F357L.
Identifiers: ClinVar variation 2629323 (VCV002629323.3), dbSNP rs989401134, ClinGen allele CA127202899.

ClinVar aggregate classification (germline): Uncertain significance. Review status: criteria provided, multiple submitters, no conflicts (2 of 4 stars). 3 submissions from 3 submitters: Uncertain significance (3). Last evaluated 2026-01-08.

Conditions:
SLC22A4-related disorder. Also called: SLC22A4-related condition.

Allele frequency attached by ClinVar (database versions not stated): gnomAD exomes 0.00001.
gnomAD v4.1: 18 of 1,613,892 alleles (0.0011%); highest among the groups gnomAD compares: Middle Eastern, 0.016%; no homozygotes.

Submissions (3):

Labcorp Genetics (formerly Invitae), Labcorp
Classification: Uncertain significance. Last evaluated: 2026-01-08. Review status: criteria provided, single submitter. Criteria: Invitae Variant Classification Sherloc (09022015). Collection method: clinical testing. Allele origin: germline.
Comment: This sequence change replaces phenylalanine, which is neutral and non-polar, with leucine, which is neutral and non-polar, at codon 357 of the SLC22A4 protein (p.Phe357Leu). This variant is not present in population databases (gnomAD no frequency). This variant has not been reported in the literature in individuals affected with SLC22A4-related conditions. ClinVar contains an entry for this variant (Variation ID: 2629323). Invitae Evidence Modeling of protein sequence and biophysical properties (such as structural, functional, and spatial information, amino acid conservation, physicochemical variation, residue mobility, and thermodynamic stability) indicates that this missense variant is not expected to disrupt SLC22A4 protein function with a negative predictive value of 80%. In summary, the available evidence is currently insufficient to determine the role of this variant in disease. Therefore, it has been classified as a Variant of Uncertain Significance.

Ambry Genetics
Classification: Uncertain significance. Last evaluated: 2024-09-11. Review status: criteria provided, single submitter. Criteria: Ambry Variant Classification Scheme 2023. Collection method: clinical testing. Allele origin: germline.

PreventionGenetics, part of Exact Sciences
Classification: Uncertain significance for SLC22A4-related condition. Last evaluated: 2023-03-27. Review status: criteria provided, single submitter. Criteria: ACMG Guidelines, 2015. Collection method: clinical testing. Allele origin: germline.
Comment: The SLC22A4 c.1071T>A variant is predicted to result in the amino acid substitution p.Phe357Leu. To our knowledge, this variant has not been reported in the literature or in a large population database, indicating this variant is rare. At this time, the clinical significance of this variant is uncertain due to the absence of conclusive functional and genetic evidence.